The following is an entry in ClinVar:

NM_001128.6(AP1G1):c.714T>C (p.Ser238=)

Gene: AP1G1 (adaptor related protein complex 1 subunit gamma 1; minus strand). Cytogenetic location: 16q22.2.
Variant type: single nucleotide variant.
Coding change: c.714T>C on transcript NM_001128.6 (MANE Select); coding-DNA position 714, T replaced by C.
Protein change: p.Ser238=; no amino-acid change (serine 238 retained).
Molecular consequence: synonymous variant.
Genome position (GRCh38, 1-based): chr16:71,765,513, A>G on the plus strand (T>C on the coding strand, the complement: AP1G1 is on the minus strand). VCF-style: chr16-71765513-A-G. GRCh37 (hg19) VCF-style: chr16-71799416-A-G.
Other names: c.723T>C, p.Ser241= (NM_001030007.2).
Identifiers: ClinVar variation 4822859 (VCV004822859.4).
Genomic context (GRCh38, chr16:71,765,513, plus strand): 5'-ATATAACATTTATTTAAAACGTTCTTTCAACCTCACCTGCAAAAAGGGGTCACTGATACC[A>G]GAAACATCATGTTCTGGTGAATATCCGGACATGATGAGGTTCTTTAAAATACGAACTAAT-3'
Protein context (NP_001119.3, residues 228-248): MSGYSPEHDV[Ser238=]GISDPFLQVR

ClinVar aggregate classification (germline): Uncertain significance (1 of 4 stars; one submission).

Submission:

CeGaT Center for Human Genetics Tuebingen
Classification: Uncertain significance. Last evaluated: 2026-01-01. Review status: criteria provided, single submitter. Criteria: CeGaT Center For Human Genetics Tuebingen Variant Classification Criteria Version 2. Collection method: clinical testing. Allele origin: germline. Affected: yes. Observed: 1 variant allele.
Comment: AP1G1: PM2:Supporting, BP4